The following is an entry in ClinVar:

NM_031407.7(HUWE1):c.2730C>G (p.Cys910Trp)

Gene: HUWE1 (HECT, UBA and WWE domain containing E3 ubiquitin protein ligase 1; minus strand). Cytogenetic location: Xp11.22.
Variant type: single nucleotide variant.
Coding change: c.2730C>G on transcript NM_031407.7 (MANE Select); coding-DNA position 2730, C replaced by G.
Protein change: p.Cys910Trp; replaces cysteine 910 with tryptophan.
Molecular consequence: missense variant.
Genome position (GRCh38, 1-based): chrX:53,604,601, G>C on the plus strand (C>G on the coding strand, the complement: HUWE1 is on the minus strand). VCF-style: chrX-53604601-G-C. GRCh37 (hg19) VCF-style: chrX-53631562-G-C.
Other names: short protein forms C910W.
Identifiers: ClinVar variation 3365347 (VCV003365347.1).

ClinVar aggregate classification (germline): Uncertain significance (1 of 4 stars; one submission).

Submission:

GeneDx
Classification: Uncertain significance. Last evaluated: 2023-12-11. Review status: criteria provided, single submitter. Criteria: GeneDx Variant Classification Process June 2021. Collection method: clinical testing. Allele origin: germline. Affected: yes.
Comment: Not observed at significant frequency in large population cohorts (gnomAD); In silico analysis supports that this missense variant has a deleterious effect on protein structure/function; Has not been previously published as pathogenic or benign to our knowledge